The following is an entry in ClinVar:

ClinVar aggregate classification (germline): Pathogenic (1 of 4 stars; one submission).

Conditions:
Developmental and epileptic encephalopathy. Identifiers: MedGen C5779964, MONDO:0100620.

Submission:

Labcorp Genetics (formerly Invitae), Labcorp
Classification: Pathogenic for Early-infantile DEE. Last evaluated: 2022-03-22. Review status: criteria provided, single submitter. Criteria: Invitae Variant Classification Sherloc (09022015). Collection method: clinical testing. Allele origin: germline.
Comment: For these reasons, this variant has been classified as Pathogenic. This variant disrupts a region of the SCN1A protein in which other variant(s) (p.Gly271Ser) have been determined to be pathogenic (PMID: 29745119; Invitae). This suggests that this is a clinically significant region of the protein, and that variants that disrupt it are likely to be disease-causing. This variant has not been reported in the literature in individuals affected with SCN1A-related conditions. This variant results in the deletion of exons 2-5 and part of exon 6 (c.265-5745_857del) of the SCN1A gene. It is expected to disrupt RNA splicing. Variants that disrupt the donor or acceptor splice site typically lead to a loss of protein function (PMID: 16199547), and loss-of-function variants in SCN1A are known to be pathogenic (PMID: 17347258, 18930999).

Literature cited by the submitters: PubMed 29745119; PubMed 16199547; PubMed 17347258; PubMed 18930999.

NC_000002.11:g.(?_166908336)_(166920943_?)del

Gene: SCN1A (sodium voltage-gated channel alpha subunit 1; minus strand). Cytogenetic location: 2q24.3.
Variant type: Deletion.
Identifiers: ClinVar variation 2423914 (VCV002423914.4).